The following is an entry in ClinVar:

ClinVar aggregate classification (germline): Pathogenic/Likely pathogenic. Review status: criteria provided, multiple submitters, no conflicts (2 of 4 stars). 3 submissions from 3 submitters: Pathogenic (2); Likely pathogenic (1). Last evaluated 2025-08-12.

Submissions (3):

Labcorp Genetics (formerly Invitae), Labcorp
Classification: Pathogenic. Last evaluated: 2025-08-12. Review status: criteria provided, single submitter. Criteria: Invitae Variant Classification Sherloc (09022015). Collection method: clinical testing. Allele origin: germline.
Comment: This sequence change replaces cysteine, which is neutral and slightly polar, with arginine, which is basic and polar, at codon 606 of the NOTCH3 protein (p.Cys606Arg). This variant is not present in population databases (gnomAD no frequency). This missense change has been observed in individuals with clinical features of autosomal dominant cerebral arteriopathy with subcortical infarcts and leukoencephalopathy (PMID: 22664156; internal data). ClinVar contains an entry for this variant (Variation ID: 585598). Invitae Evidence Modeling of protein sequence and biophysical properties (such as structural, functional, and spatial information, amino acid conservation, physicochemical variation, residue mobility, and thermodynamic stability) indicates that this missense variant is expected to disrupt NOTCH3 protein function with a positive predictive value of 95%. This variant disrupts the p.Cys606 amino acid residue in NOTCH3. Other variant(s) that disrupt this residue have been observed in individuals with NOTCH3-related conditions (PMID: 28710804), which suggests that this may be a clinically significant amino acid residue. For these reasons, this variant has been classified as Pathogenic.

Athena Diagnostics
Classification: Pathogenic. Last evaluated: 2024-03-25. Review status: criteria provided, single submitter. Criteria: Athena Diagnostics Criteria. Collection method: clinical testing. Allele origin: unknown.
Comment: This variant has been identified in at least one individual with clinical features associated with CADASIL. This variant has not been reported in large, multi-ethnic general populations. This variant alters a critical location within the protein, and is expected to severely affect function and cause disease. Greater than 90% of NOTCH3 pathogenic variants associated with CADASIL involve the gain or loss of a cysteine residue within the epidermal growth factor (EGF)-like repeat domain (PMID: 32457593, 20301673).

ARUP Laboratories, Molecular Genetics and Genomics, ARUP Laboratories
Classification: Likely pathogenic. Last evaluated: 2019-11-26. Review status: criteria provided, single submitter. Criteria: ARUP Molecular Germline Variant Investigation Process. Collection method: clinical testing. Allele origin: germline.
Comment: The NOTCH3 c.1816T>C; p.Cys606Arg variant (rs1568359346) has been described in association with cerebral autosomal dominant arteriopathy with subcortical infarcts and leukoencephalopathy (CADASIL; Testi 2012). It is reported as pathogenic in ClinVar (Variation ID: 585598), and is absent from general population databases (Exome Variant Server and Genome Aggregation Database), indicating it is not a common polymorphism. The cysteine at codon 606 is highly conserved, and computational analyses (SIFT, PolyPhen-2) predict that this variant is deleterious. Additionally, another variant at this position (c.1817G>T; p.Cys606Phe) has been described in an individual with CADASIL (Chen 2017). Most pathogenic NOTCH3 variants occur in exons 2-24 and either create or destroy a cysteine residue within an EGF-like domain (Rutten 2014), and thus the p.Cys606Arg variant is consistent with the predominant mechanism of disease in NOTCH3. Based on available information, this variant is considered to be likely pathogenic. REFERENCES Chen S et al. Clinical features and mutation spectrum in Chinese patients with CADASIL: A multicenter retrospective study. CNS Neurosci Ther. 2017 Sep;23(9):707-716. Rutten JW et al. Interpretation of NOTCH3 mutations in the diagnosis of CADASIL. Expert Rev Mol Diagn. 2014 Jun;14(5):593-603. Testi S et al. Mutational and haplotype map of NOTCH3 in a cohort of Italian patients with cerebral autosomal dominant arteriopathy with subcortical infarcts and leukoencephalopathy (CADASIL). J Neurol Sci. 2012 Aug 15;319(1-2):37-41.

Literature cited by the submitters: PubMed 22664156 (cited by Labcorp Genetics (formerly Invitae), Labcorp and Athena Diagnostics); PubMed 28710804 (cited by Labcorp Genetics (formerly Invitae), Labcorp); PubMed 32555735 (cited by Athena Diagnostics).

NM_000435.3(NOTCH3):c.1816T>C (p.Cys606Arg)

Gene: NOTCH3 (notch receptor 3; minus strand). Cytogenetic location: 19p13.12.
Variant type: single nucleotide variant.
Coding change: c.1816T>C on transcript NM_000435.3 (MANE Select); coding-DNA position 1816, T replaced by C.
Protein change: p.Cys606Arg; replaces cysteine 606 with arginine.
Molecular consequence: missense variant.
Genome position (GRCh38, 1-based): chr19:15,187,129, A>G on the plus strand (T>C on the coding strand, the complement: NOTCH3 is on the minus strand). VCF-style: chr19-15187129-A-G. GRCh37 (hg19) VCF-style: chr19-15297940-A-G.
Other names: short protein forms C606R.
Identifiers: ClinVar variation 585598 (VCV000585598.18), dbSNP rs1568359346, ClinGen allele CA404524641.